The following is an entry in ClinVar:

ClinVar aggregate classification (germline): Benign (0 of 4 stars; one submission).

Conditions:
DLGAP1-related disorder. Also called: DLGAP1-related condition.

Allele frequency attached by ClinVar (database versions not stated): 1000 Genomes Project 0.00359; 1000 Genomes Project 30x 0.00375; TOPMed 0.00844; gnomAD 0.00894; ESP Exome Variant Server 0.01007; ExAC 0.01115; gnomAD exomes 0.01361.
gnomAD v4.1: 20,980 of 1,606,872 alleles (1.3%); highest among the groups gnomAD compares: Non-Finnish European, 1.6%; 184 homozygotes.

Submission:

PreventionGenetics, part of Exact Sciences
Classification: Benign for DLGAP1-related condition. Last evaluated: 2019-03-08. Review status: no assertion criteria provided. Collection method: clinical testing. Allele origin: germline.
Comment: This variant is classified as benign based on ACMG/AMP sequence variant interpretation guidelines (Richards et al. 2015 PMID: 25741868, with internal and published modifications).

NM_004746.4(DLGAP1):c.1590G>A (p.Thr530=)

Gene: DLGAP1 (DLG associated protein 1; minus strand). Cytogenetic location: 18p11.31.
Variant type: single nucleotide variant.
Coding change: c.1590G>A on transcript NM_004746.4 (MANE Select); coding-DNA position 1590, G replaced by A.
Protein change: p.Thr530=; no amino-acid change (threonine 530 retained).
Molecular consequence: synonymous variant.
Genome position (GRCh38, 1-based): chr18:3,729,136, C>T on the plus strand (G>A on the coding strand, the complement: DLGAP1 is on the minus strand). VCF-style: chr18-3729136-C-T. GRCh37 (hg19) VCF-style: chr18-3729136-C-T.
Other names: c.684G>A, p.Thr228= (NM_001003809.3, NM_001242765.2, NM_001242766.2 and 1 more transcripts); c.1590G>A, p.Thr530= (NM_001242761.2, NM_001398525.1, NM_001398526.1 and 2 more transcripts); c.726G>A, p.Thr242= (NM_001242762.2, NM_001242763.2, NM_001398533.1 and 2 more transcripts); c.708G>A, p.Thr236= (NM_001242764.2, NM_001308390.2, NM_001398541.1 and 2 more transcripts); c.840G>A, p.Thr280= (NM_001398530.1, NM_001398535.1); c.822G>A, p.Thr274= (NM_001398531.1, NM_001398537.1); c.714G>A, p.Thr238= (NM_001398532.1, NM_001398534.1, NM_001398540.1 and 1 more transcripts); c.798G>A, p.Thr266= (NM_001398536.1).
Identifiers: ClinVar variation 3056726 (VCV003056726.2), dbSNP rs56234957, ClinGen allele CA8876429.